The following is an entry in ClinVar:

NM_032638.5(GATA2):c.779A>G (p.Tyr260Cys)

Gene: GATA2 (GATA binding protein 2; minus strand). Cytogenetic location: 3q21.3.
Variant type: single nucleotide variant.
Coding change: c.779A>G on transcript NM_032638.5 (MANE Select); coding-DNA position 779, A replaced by G.
Protein change: p.Tyr260Cys; replaces tyrosine 260 with cysteine.
Molecular consequence: missense variant.
Genome position (GRCh38, 1-based): chr3:128,485,819, T>C on the plus strand (A>G on the coding strand, the complement: GATA2 is on the minus strand). VCF-style: chr3-128485819-T-C. GRCh37 (hg19) VCF-style: chr3-128204662-T-C.
Other names: c.779A>G, p.Tyr260Cys (NM_001145661.2, NM_001145662.1); short protein forms Y260C.
Identifiers: ClinVar variation 961088 (VCV000961088.6), dbSNP rs1576748453, ClinGen allele CA354405946.

ClinVar aggregate classification (germline): Uncertain significance. Review status: criteria provided, multiple submitters, no conflicts (2 of 4 stars). 2 submissions from 2 submitters: Uncertain significance (2). Last evaluated 2025-06-02.

Conditions:
Inborn genetic diseases. Identifiers: MedGen C0950123, MeSH D030342.
Monocytopenia with susceptibility to infections. Also called: MONOCYTOPENIA AND MYCOBACTERIAL INFECTION SYNDROME; MONOCYTOPENIA WITH SUSCEPTIBILITY TO MYCOBACTERIAL, FUNGAL, AND PAPILLOMAVIRUS INFECTIONS AND MYELODYSPLASIA; COMBINED IMMUNODEFICIENCY WITH SUSCEPTIBILITY TO MYCOBACTERIAL, VIRAL, AND FUNGAL INFECTIONS; Dendritic cell, monocyte, B lymphocyte, and natural killer lymphocyte deficiency; IMMUNODEFICIENCY 21; GATA2 DEFICIENCY. Identifiers: Orphanet 228423, MedGen C3280030, MONDO:0013607, OMIM 614172.
Deafness-lymphedema-leukemia syndrome. Also called: Lymphedema, primary, with myelodysplasia; Emberger syndrome. Identifiers: Orphanet 3226, MedGen C3279664, MONDO:0013540, OMIM 614038.

Allele frequency attached by ClinVar (database versions not stated): gnomAD exomes below 0.00001.
gnomAD v4.1: 2 of 1,613,818 alleles (0.00012%); highest among the groups gnomAD compares: East Asian, 0.0022%; no homozygotes.

Submissions (2):

Ambry Genetics
Classification: Uncertain significance for Inborn genetic diseases. Last evaluated: 2025-06-02. Review status: criteria provided, single submitter. Criteria: Ambry Variant Classification Scheme 2023. Collection method: clinical testing. Allele origin: germline.
Comment: The p.Y260C variant (also known as c.779A>G), located in coding exon 2 of the GATA2 gene, results from an A to G substitution at nucleotide position 779. The tyrosine at codon 260 is replaced by cysteine, an amino acid with highly dissimilar properties. This amino acid position is conserved. In addition, this alteration is predicted to be deleterious by in silico analysis. Based on the available evidence, the clinical significance of this variant remains unclear.

Labcorp Genetics (formerly Invitae), Labcorp
Classification: Uncertain significance for Monocytopenia with susceptibility to infections; Deafness-lymphedema-leukemia syndrome. Last evaluated: 2023-10-13. Review status: criteria provided, single submitter. Criteria: Invitae Variant Classification Sherloc (09022015). Collection method: clinical testing. Allele origin: germline.
Comment: This sequence change replaces tyrosine, which is neutral and polar, with cysteine, which is neutral and slightly polar, at codon 260 of the GATA2 protein (p.Tyr260Cys). This variant is not present in population databases (gnomAD no frequency). This variant has not been reported in the literature in individuals affected with GATA2-related conditions. ClinVar contains an entry for this variant (Variation ID: 961088). Advanced modeling of protein sequence and biophysical properties (such as structural, functional, and spatial information, amino acid conservation, physicochemical variation, residue mobility, and thermodynamic stability) has been performed at Invitae for this missense variant, however the output from this modeling did not meet the statistical confidence thresholds required to predict the impact of this variant on GATA2 protein function. In summary, the available evidence is currently insufficient to determine the role of this variant in disease. Therefore, it has been classified as a Variant of Uncertain Significance.